The following is an entry in ClinVar:

ClinVar aggregate classification (germline): Uncertain significance. Review status: criteria provided, single submitter (1 of 4 stars). 2 submissions from 1 submitter: Uncertain significance (2). Last evaluated 2019-11-14.

Conditions:
Mosaic variegated aneuploidy syndrome 1 (MVA1). Also called: Warburton-Anyane-Yeboa syndrome. Identifiers: Orphanet 1052, MedGen C1850343, MONDO:0009759, OMIM 257300.
Mosaic variegated aneuploidy syndrome. Also called: MVA SYNDROME. Identifiers: Orphanet 1052, MedGen C4551972, MONDO:0000141.

Submissions (2):

Labcorp Genetics (formerly Invitae), Labcorp
Classification: Uncertain significance for Mosaic variegated aneuploidy syndrome. Last evaluated: 2019-11-14. Review status: criteria provided, single submitter. Criteria: Invitae Variant Classification Sherloc (09022015). Collection method: clinical testing. Allele origin: germline.
Comment: This variant is an in-frame deletion of the genomic region encompassing exons 6-8 of the BUB1B gene. It preserves the integrity of the reading frame. This variant has not been reported in the literature in individuals with BUB1B-related conditions. Experimental studies and prediction algorithms are not available or were not evaluated, and the functional significance of this variant is currently unknown. In summary, the available evidence is currently insufficient to determine the role of this variant in disease. Therefore, it has been classified as a Variant of Uncertain Significance.

Labcorp Genetics (formerly Invitae), Labcorp
Classification: Uncertain significance for Mosaic variegated aneuploidy syndrome 1. Last evaluated: 2019-11-13. Review status: criteria provided, single submitter. Criteria: Invitae Variant Classification Sherloc (09022015). Collection method: clinical testing. Allele origin: germline.
Comment: This variant has not been reported in the literature in individuals with BUB1B-related conditions. In summary, the available evidence is currently insufficient to determine the role of this variant in disease. Therefore, it has been classified as a Variant of Uncertain Significance. Experimental studies and prediction algorithms are not available or were not evaluated, and the functional significance of this variant is currently unknown. This variant is an in-frame deletion of the genomic region encompassing exons 6-8 of the BUB1B gene. It preserves the integrity of the reading frame.

NC_000015.10:g.(?_40183704)_(40185652_?)del

Gene: BUB1B (BUB1 mitotic checkpoint serine/threonine kinase B; plus strand). Cytogenetic location: 15q15.1.
Variant type: Deletion.
Identifiers: ClinVar variation 830922 (VCV000830922.6).